The following is an entry in ClinVar:

NM_001017995.3(SH3PXD2B):c.1156G>A (p.Gly386Ser)

Gene: SH3PXD2B (SH3 and PX domains 2B; minus strand). Cytogenetic location: 5q35.1.
Variant type: single nucleotide variant.
Coding change: c.1156G>A on transcript NM_001017995.3 (MANE Select); coding-DNA position 1156, G replaced by A.
Protein change: p.Gly386Ser; replaces glycine 386 with serine.
Molecular consequence: missense variant.
Genome position (GRCh38, 1-based): chr5:172,346,168, C>T on the plus strand (G>A on the coding strand, the complement: SH3PXD2B is on the minus strand). VCF-style: chr5-172346168-C-T. GRCh37 (hg19) VCF-style: chr5-171773172-C-T.
Other names: c.1156G>A, p.Gly386Ser (NM_001308175.2); short protein forms G386S.
Identifiers: ClinVar variation 1925315 (VCV001925315.4), dbSNP rs777452588, ClinGen allele CA3561280.

ClinVar aggregate classification (germline): Uncertain significance (1 of 4 stars; one submission).

Allele frequency attached by ClinVar (database versions not stated): gnomAD 0.00001; gnomAD exomes 0.00001; TOPMed 0.00001; ExAC 0.00002.
gnomAD v4.1: 13 of 1,614,154 alleles (0.00081%); highest among the groups gnomAD compares: South Asian, 0.0044%; no homozygotes.

Submission:

Labcorp Genetics (formerly Invitae), Labcorp
Classification: Uncertain significance. Last evaluated: 2024-05-21. Review status: criteria provided, single submitter. Criteria: Invitae Variant Classification Sherloc (09022015). Collection method: clinical testing. Allele origin: germline.
Comment: This sequence change replaces glycine, which is neutral and non-polar, with serine, which is neutral and polar, at codon 386 of the SH3PXD2B protein (p.Gly386Ser). This variant is present in population databases (rs777452588, gnomAD 0.006%). This variant has not been reported in the literature in individuals affected with SH3PXD2B-related conditions. ClinVar contains an entry for this variant (Variation ID: 1925315). An algorithm developed to predict the effect of missense changes on protein structure and function (PolyPhen-2) suggests that this variant is likely to be disruptive. In summary, the available evidence is currently insufficient to determine the role of this variant in disease. Therefore, it has been classified as a Variant of Uncertain Significance.